The following is an entry in ClinVar:

NM_001365951.3(KIF1B):c.3061G>A (p.Asp1021Asn)

Gene: KIF1B (kinesin family member 1B; plus strand). Cytogenetic location: 1p36.22.
Variant type: single nucleotide variant.
Coding change: c.3061G>A on transcript NM_001365951.3 (MANE Select); coding-DNA position 3061, G replaced by A.
Protein change: p.Asp1021Asn; replaces aspartic acid 1021 with asparagine.
Molecular consequence: missense variant.
Genome position (GRCh38, 1-based): chr1:10,336,674, G>A. VCF-style: chr1-10336674-G-A. GRCh37 (hg19) VCF-style: chr1-10396732-G-A.
Other names: c.3061G>A, p.Asp1021Asn (NM_001365952.1); c.2923G>A, p.Asp975Asn (NM_015074.3); short protein forms D1021N, D975N.
Identifiers: ClinVar variation 2164723 (VCV002164723.7), dbSNP rs1302905477, ClinGen allele CA338339289.

ClinVar aggregate classification (germline): Uncertain significance. Review status: criteria provided, multiple submitters, no conflicts (2 of 4 stars). 2 submissions from 2 submitters: Uncertain significance (2). Last evaluated 2025-06-24.

Conditions:
Charcot-Marie-Tooth disease type 2. Also called: Charcot-Marie-Tooth type 2. Identifiers: Orphanet 64746, MedGen C0270914, MONDO:0018993.

Allele frequency attached by ClinVar (database versions not stated): gnomAD exomes below 0.00001; gnomAD 0.00001.
gnomAD v4.1: 3 of 1,613,812 alleles (0.00019%); highest among the groups gnomAD compares: Non-Finnish European, 0.00025%; no homozygotes.

Submissions (2):

Ambry Genetics
Classification: Uncertain significance. Last evaluated: 2025-06-24. Review status: criteria provided, single submitter. Criteria: Ambry Variant Classification Scheme 2023. Collection method: clinical testing. Allele origin: germline.
Comment: The p.D975N variant (also known as c.2923G>A), located in coding exon 26 of the KIF1B gene, results from a G to A substitution at nucleotide position 2923. The aspartic acid at codon 975 is replaced by asparagine, an amino acid with highly similar properties. This amino acid position is highly conserved in available vertebrate species. In addition, this alteration is predicted to be tolerated by in silico analysis. The evidence for this gene-disease relationship is limited; therefore, the clinical significance of this alteration is unclear.

Labcorp Genetics (formerly Invitae), Labcorp
Classification: Uncertain significance for Charcot-Marie-Tooth disease type 2. Last evaluated: 2022-05-27. Review status: criteria provided, single submitter. Criteria: Invitae Variant Classification Sherloc (09022015). Collection method: clinical testing. Allele origin: germline.
Comment: This sequence change replaces aspartic acid, which is acidic and polar, with asparagine, which is neutral and polar, at codon 975 of the KIF1B protein (p.Asp975Asn). This variant is not present in population databases (gnomAD no frequency). This variant has not been reported in the literature in individuals affected with KIF1B-related conditions. Algorithms developed to predict the effect of missense changes on protein structure and function are either unavailable or do not agree on the potential impact of this missense change (SIFT: "Tolerated"; PolyPhen-2: "Probably Damaging"; Align-GVGD: "Class C0"). In summary, the available evidence is currently insufficient to determine the role of this variant in disease. Therefore, it has been classified as a Variant of Uncertain Significance.